The following is an entry in ClinVar:

ClinVar aggregate classification (germline): Benign/Likely benign. Review status: criteria provided, multiple submitters, no conflicts (2 of 4 stars). 2 submissions from 2 submitters: Benign (1); Likely benign (1). Last evaluated 2025-05-11.

Submissions (2):

Labcorp Genetics (formerly Invitae), Labcorp
Classification: Benign. Last evaluated: 2025-05-11. Review status: criteria provided, single submitter. Criteria: Invitae Variant Classification Sherloc (09022015). Collection method: clinical testing. Allele origin: germline.

Women's Health and Genetics/Laboratory Corporation of America, LabCorp
Classification: Likely benign. Last evaluated: 2024-04-15. Review status: criteria provided, single submitter. Criteria: LabCorp Variant Classification Summary - May 2015. Collection method: clinical testing. Allele origin: germline.
Comment: Variant summary: CD46 c.856+20dupT alters a non-conserved nucleotide located at a position not widely known to affect splicing. Consensus agreement among computation tools predict no significant impact on normal splicing. However, these predictions have yet to be confirmed by functional studies. The variant allele was found at a frequency of 3.6e-05 in 251334 control chromosomes. The available data on variant occurrences in the general population are insufficient to allow any conclusion about variant significance. To our knowledge, no occurrence of c.856+20dupT in individuals affected with Genetic Atypical Hemolytic Uremic Syndrome and no experimental evidence demonstrating its impact on protein function have been reported. ClinVar contains an entry for this variant (Variation ID: 1926476). Based on the evidence outlined above, the variant was classified as likely benign.

NM_172351.3(CD46):c.856+20dup

Gene: CD46 (CD46 molecule; plus strand). Cytogenetic location: 1q32.2.
Variant type: Duplication.
Coding change: c.856+20dup on transcript NM_172351.3 (MANE Select); 20 bases into the intron after coding-DNA position 856, one base duplicated (T; older notation c.856+20dupT).
Molecular consequence: intron variant.
Genome position (GRCh38, 1-based): chr1:207,767,215, T duplicated; the last of 6 consecutive T bases (chr1:207,767,210-207,767,215); duplicating any one gives the same sequence. VCF-style (leftmost placement, unchanged base first): chr1-207767209-C-CT. GRCh37 (hg19) VCF-style: chr1-207940554-C-CT.
Other names: c.856+20dup (NM_002389.4, NM_172359.3, NM_153826.4 and 8 more transcripts); c.856+20dupT (NM_002389.4).
Identifiers: ClinVar variation 1926476 (VCV001926476.6), dbSNP rs1458342448, ClinGen allele CA528615559.